The following is an entry in ClinVar:

NM_032861.4(SERAC1):c.1501+16A>C

Gene: SERAC1 (serine active site containing 1; minus strand). Cytogenetic location: 6q25.3.
Variant type: single nucleotide variant.
Coding change: c.1501+16A>C on transcript NM_032861.4 (MANE Select); 16 bases into the intron after coding-DNA position 1501, A replaced by C.
Molecular consequence: intron variant.
Genome position (GRCh38, 1-based): chr6:158,116,169, T>G on the plus strand (A>C on the coding strand, the complement: SERAC1 is on the minus strand). VCF-style: chr6-158116169-T-G. GRCh37 (hg19) VCF-style: chr6-158537201-T-G.
Identifiers: ClinVar variation 507691 (VCV000507691.6), dbSNP rs369225459, ClinGen allele CA4071051.

ClinVar aggregate classification (germline): Likely benign. Review status: criteria provided, multiple submitters, no conflicts (2 of 4 stars). 2 submissions from 2 submitters: Likely benign (2). Last evaluated 2026-01-21.

Conditions:
3-methylglutaconic aciduria with deafness, encephalopathy, and Leigh-like syndrome (MEGDEL). Also called: MEGDEL syndrome; 3-METHYLGLUTACONIC ACIDURIA, TYPE VI; SERAC1 Deficiency. Identifiers: Orphanet 352328, MedGen C4040739, MONDO:0013875, OMIM 614739.

Allele frequency attached by ClinVar (database versions not stated): 1000 Genomes Project 30x 0.00047; 1000 Genomes Project 0.00060.
gnomAD v4.1: 102 of 1,605,746 alleles (0.0064%); highest among the groups gnomAD compares: South Asian, 0.11%; 1 homozygote.

Submissions (2):

Labcorp Genetics (formerly Invitae), Labcorp
Classification: Likely benign for 3-methylglutaconic aciduria with deafness, encephalopathy, and Leigh-like syndrome. Last evaluated: 2026-01-21. Review status: criteria provided, single submitter. Criteria: Invitae Variant Classification Sherloc (09022015). Collection method: clinical testing. Allele origin: germline.

GeneDx
Classification: Likely benign. Last evaluated: 2017-03-08. Review status: criteria provided, single submitter. Criteria: GeneDx Variant Classification (06012015). Collection method: clinical testing. Allele origin: germline. Affected: yes.
Comment: This variant is considered likely benign or benign based on one or more of the following criteria: it is a conservative change, it occurs at a poorly conserved position in the protein, it is predicted to be benign by multiple in silico algorithms, and/or has population frequency not consistent with disease.